The following is an entry in ClinVar:

ClinVar aggregate classification (germline): Conflicting classifications of pathogenicity. Review status: criteria provided, conflicting classifications (1 of 4 stars). 6 submissions from 6 submitters: Uncertain significance (1); Benign (3); Likely benign (2). Last evaluated 2025-12-30.

Conditions:
Inborn genetic diseases. Identifiers: MedGen C0950123, MeSH D030342.
Developmental and epileptic encephalopathy, 11 (DEE11). Also called: Early infantile epileptic encephalopathy 11. Identifiers: Orphanet 1934, MedGen C3150987, MONDO:0013388, OMIM 613721.
Seizures, benign familial infantile, 3 (BFIS3). Also called: CONVULSIONS, BENIGN FAMILIAL INFANTILE, 3; Familial neonatal seizures. Identifiers: Orphanet 140927, Orphanet 306, MedGen C1843140, MONDO:0011904, OMIM 607745.

Allele frequency attached by ClinVar (database versions not stated): gnomAD exomes 0.00005 and 0.00012; ExAC 0.00019; 1000 Genomes Project 0.00020; 1000 Genomes Project 30x 0.00031; ESP Exome Variant Server 0.00054; gnomAD 0.00058 and 0.00068; TOPMed 0.00067.
gnomAD v4.1: 178 of 1,614,082 alleles (0.011%); highest among the groups gnomAD compares: African/African-American, 0.2%; 1 homozygote.

Submissions (6):

Labcorp Genetics (formerly Invitae), Labcorp
Classification: Benign for Seizures, benign familial infantile, 3; Developmental and epileptic encephalopathy, 11. Last evaluated: 2025-12-30. Review status: criteria provided, single submitter. Criteria: Invitae Variant Classification Sherloc (09022015). Collection method: clinical testing. Allele origin: germline.

Blueprint Genetics
Classification: Likely benign. Last evaluated: 2024-03-19. Review status: criteria provided, single submitter. Criteria: ACMG Guidelines, 2015. Collection method: clinical testing. Allele origin: germline.

CeGaT Center for Human Genetics Tuebingen
Classification: Benign. Last evaluated: 2022-03-01. Review status: criteria provided, single submitter. Criteria: CeGaT Center For Human Genetics Tuebingen Variant Classification Criteria Version 2. Collection method: clinical testing. Allele origin: germline. Affected: yes. Observed: 1 variant allele.
Comment: SCN2A: BS1, BS2

Ambry Genetics
Classification: Likely benign for Inborn genetic diseases. Last evaluated: 2017-12-16. Review status: criteria provided, single submitter. Criteria: Ambry Variant Classification Scheme 2023. Collection method: clinical testing. Allele origin: germline.

Eurofins Ntd Llc (ga)
Classification: Uncertain significance. Last evaluated: 2015-01-16. Review status: criteria provided, single submitter. Criteria: EGL Classification Definitions 2015. Collection method: clinical testing. Allele origin: germline. Observed: 1 variant allele, 1 heterozygote.

GeneDx
Classification: Benign. Last evaluated: 2014-09-19. Review status: criteria provided, single submitter. Criteria: GeneDx Variant Classification (06012015). Collection method: clinical testing. Allele origin: germline. Affected: yes.
Comment: This variant is considered likely benign or benign based on one or more of the following criteria: it is a conservative change, it occurs at a poorly conserved position in the protein, it is predicted to be benign by multiple in silico algorithms, and/or has population frequency not consistent with disease.

NM_001040142.2(SCN2A):c.5505C>T (p.Asn1835=)

Gene: SCN2A (sodium voltage-gated channel alpha subunit 2; plus strand). Cytogenetic location: 2q24.3.
Variant type: single nucleotide variant.
Coding change: c.5505C>T on transcript NM_001040142.2 (MANE Select); coding-DNA position 5505, C replaced by T.
Protein change: p.Asn1835=; no amino-acid change (asparagine 1835 retained).
Molecular consequence: synonymous variant.
Genome position (GRCh38, 1-based): chr2:165,389,311, C>T. VCF-style: chr2-165389311-C-T. GRCh37 (hg19) VCF-style: chr2-166245821-C-T.
Other names: p.N1835N:AAC>AAT; c.5505C>T, p.Asn1835= (NM_001040143.2, NM_001371246.1, NM_001371247.1 and 1 more transcripts).
Identifiers: ClinVar variation 196038 (VCV000196038.42), dbSNP rs6706924, ClinGen allele CA242791.